The following is an entry in ClinVar:

NM_000322.5(PRPH2):c.605G>A (p.Gly202Glu)

Gene: PRPH2 (peripherin 2; minus strand). Cytogenetic location: 6p21.1.
Variant type: single nucleotide variant.
Coding change: c.605G>A on transcript NM_000322.5 (MANE Select); coding-DNA position 605, G replaced by A.
Protein change: p.Gly202Glu; replaces glycine 202 with glutamic acid.
Molecular consequence: missense variant.
Genome position (GRCh38, 1-based): chr6:42,704,588, C>T on the plus strand (G>A on the coding strand, the complement: PRPH2 is on the minus strand). VCF-style: chr6-42704588-C-T. GRCh37 (hg19) VCF-style: chr6-42672326-C-T.
Other names: short protein forms G202E.
Identifiers: ClinVar variation 971980 (VCV000971980.9), dbSNP rs1800117660, ClinGen allele CA364135755.
Genomic context (GRCh38, chr6:42,704,588, plus strand): 5'-CAGGGCCGTGGCGAGCTAGGATTGCAGCAGCTGAAAGGGACGCCGTCCACCAGGTACCGC[C>T]CATCCACGTTGCTCTTGATTCGACTTAAAGGGAAACAGACAGCTGGAGATGGGCTTCCCG-3'
Protein context (NP_000313.2, residues 192-212): VKDRIKSNVD[Gly202Glu]RYLVDGVPFS

ClinVar aggregate classification (germline): Pathogenic/Likely pathogenic. Review status: criteria provided, multiple submitters, no conflicts (2 of 4 stars). 2 submissions from 2 submitters: Pathogenic (1); Likely pathogenic (1). Last evaluated 2025-12-23.

Conditions:
PRPH2-related disorder. Also called: PRPH2-related condition; PRPH2-related disorders. Identifiers: MedGen CN239395.
Patterned macular dystrophy 1. Also called: MACULAR DYSTROPHY, BUTTERFLY-SHAPED PIGMENTARY; BUTTERFLY DYSTROPHY OF RETINAL PIGMENT EPITHELIUM. Identifiers: Orphanet 99001, MedGen C4551999, MONDO:0008210, OMIM 169150.

Submissions (2):

Labcorp Genetics (formerly Invitae), Labcorp
Classification: Pathogenic for PRPH2-related disorder. Last evaluated: 2025-12-23. Review status: criteria provided, single submitter. Criteria: Invitae Variant Classification Sherloc (09022015). Collection method: clinical testing. Allele origin: germline.
Comment: This sequence change replaces glycine, which is neutral and non-polar, with glutamic acid, which is acidic and polar, at codon 202 of the PRPH2 protein (p.Gly202Glu). This variant is not present in population databases (gnomAD no frequency). This missense change has been observed in individual(s) with autosomal dominant PRPH2-related conditions (PMID: 33546218; internal data). ClinVar contains an entry for this variant (Variation ID: 971980). Invitae Evidence Modeling of protein sequence and biophysical properties (such as structural, functional, and spatial information, amino acid conservation, physicochemical variation, residue mobility, and thermodynamic stability) has been performed for this missense variant. However, the output from this modeling did not meet the statistical confidence thresholds required to predict the impact of this variant on PRPH2 protein function. For these reasons, this variant has been classified as Pathogenic.

Institute of Medical Molecular Genetics, University of Zurich
Classification: Likely pathogenic for Patterned macular dystrophy 1. Last evaluated: 2021-01-30. Review status: criteria provided, single submitter. Criteria: ACMG Guidelines, 2015. Collection method: clinical testing. Allele origin: unknown. Affected: yes.

Literature cited by the submitters: PubMed 33546218 (cited by Labcorp Genetics (formerly Invitae), Labcorp).